The following is an entry in ClinVar:

ClinVar aggregate classification (germline): Pathogenic/Likely pathogenic. Review status: criteria provided, multiple submitters, no conflicts (2 of 4 stars). 7 submissions from 7 submitters: Pathogenic (5); Likely pathogenic (1). 1 of the submissions does not count toward it. Last evaluated 2025-10-06.

Conditions:
Dyskeratosis congenita, autosomal dominant 2. Identifiers: MedGen C3151443, MONDO:0013521, OMIM 613989.
Idiopathic Pulmonary Fibrosis. Also called: Idiopathic fibrosing alveolitis, chronic form; idiopathic fibrosing alveolitis. Identifiers: Orphanet 2032, MedGen C1800706, MeSH D054990, MONDO:0800504.
Pulmonary fibrosis. Identifiers: MedGen C0034069, MONDO:0002771, HP:0002206.
Hereditary cancer-predisposing syndrome. Also called: Hereditary Cancer Syndrome; Tumor predisposition; Neoplastic Syndromes, Hereditary; Hereditary neoplastic syndrome. Identifiers: Orphanet 140162, MedGen C0027672, MeSH D009386, MONDO:0015356.
TERT-related disorder. Also called: TERT-related disorders; TERT-related condition.
Interstitial lung disease 2 (ILD2). Also called: Familial idiopathic pulmonary fibrosis; FIBROCYSTIC PULMONARY DYSPLASIA; FIBROSING ALVEOLITIS, CRYPTOGENIC. Identifiers: Orphanet 2032, Orphanet 79126, MedGen C5561926, MONDO:0800497, OMIM 178500, MONDO:0800029.
Melanoma, cutaneous malignant, susceptibility to, 9. Also called: Cutaneous malignant melanoma 9. Identifiers: Orphanet 618, MedGen C3554574, MONDO:0014056, OMIM 615134.
Aplastic anemia. Identifiers: Orphanet 88, MedGen C0002874, MONDO:0015909, OMIM 609135, HP:0001915, Orphanet 182040.
Dyskeratosis congenita, autosomal dominant 1 (DKCA1). Also called: Dyskeratosis congenita Scoggins type. Identifiers: Orphanet 1775, MedGen C4551974, MONDO:0007485, OMIM 127550. Inheritance: Variable.
Acute myeloid leukemia (AML). Also called: Leukemia, acute myeloid, somatic; Leukemia, acute myelogenous, somatic; Acute myeloid leukemia, adult; AML adult; Acute non-lymphocytic leukemia; Acute granulocytic leukemia. Identifiers: Orphanet 519, MedGen C0023467, MeSH D015470, MONDO:0018874, OMIM 601626, HP:0004808. Disease mechanism: Constitutively activated FLT3.
Pulmonary fibrosis and/or bone marrow failure, Telomere-related, 1. Also called: PULMONARY FIBROSIS AND/OR BONE MARROW FAILURE SYNDROME, TELOMERE-RELATED, 1. Identifiers: Orphanet 88, MedGen C3553617, MONDO:0013878, OMIM 614742.
Dyskeratosis congenita. Identifiers: Orphanet 1775, MedGen C0265965, MONDO:0015780.

Submissions (7):

Institute for Genomic Medicine (IGM) Clinical Laboratory, Nationwide Children's Hospital
Classification: Pathogenic for Hereditary cancer-predisposing syndrome. Last evaluated: 2025-10-06. Review status: criteria provided, single submitter. Criteria: ACMG Guidelines, 2015. Collection method: clinical testing. Allele origin: germline.
Comment: This variant is predicted to result in loss of function through nonsense-mediated decay of the encoded transcript or premature truncation of the encoded protein in a gene in which loss of function is a known mechanism of disease (ACMG/AMP: PVS1; PMID:16247010). This variant has been reported at an elevated frequency in affected individuals/in multiple affected individuals in the literature (ACMG/AMP: PS4_Moderate; PMIDs:31268371, 35155181). This variant has been shown to segregate with disease in multiple affected family members (ACMG/AMP: PP1; PMID:31268371).

Ambry Genetics
Classification: Pathogenic for Dyskeratosis congenita. Last evaluated: 2025-09-05. Review status: criteria provided, single submitter. Criteria: Ambry Variant Classification Scheme 2023. Collection method: clinical testing. Allele origin: germline.
Comment: The c.336dupC pathogenic mutation, located in coding exon 2 of the TERT gene, results from a duplication of C at nucleotide position 336, causing a translational frameshift with a predicted alternate stop codon (p.E113Rfs*79). This variant was reported in individual(s) with features consistent with TERT-related disorder (Zhang D et al. Eur Respir J, 2022 Dec;60:). This alteration is expected to result in loss of function by premature protein truncation or nonsense-mediated mRNA decay. As such, this alteration is interpreted as a disease-causing mutation.

GeneDx
Classification: Pathogenic. Last evaluated: 2024-11-12. Review status: criteria provided, single submitter. Criteria: GeneDx Variant Classification Process June 2021. Collection method: clinical testing. Allele origin: germline. Affected: yes.
Comment: Frameshift variant predicted to result in protein truncation or nonsense mediated decay in a gene for which loss of function is a known mechanism of disease; This variant is associated with the following publications: (PMID: 35078193, 35155181, 28677271, 31268371)

Labcorp Genetics (formerly Invitae), Labcorp
Classification: Pathogenic for Dyskeratosis congenita, autosomal dominant 2; Idiopathic Pulmonary Fibrosis. Last evaluated: 2024-07-17. Review status: criteria provided, single submitter. Criteria: Invitae Variant Classification Sherloc (09022015). Collection method: clinical testing. Allele origin: germline.
Comment: This sequence change creates a premature translational stop signal (p.Glu113Argfs*79) in the TERT gene. It is expected to result in an absent or disrupted protein product. Loss-of-function variants in TERT are known to be pathogenic (PMID: 16247010, 17460043). The frequency data for this variant in the population databases is considered unreliable, as metrics indicate poor data quality at this position in the gnomAD database. This premature translational stop signal has been observed in individual(s) with chronic hypersensitivity pneumonitis (PMID: 31268371). ClinVar contains an entry for this variant (Variation ID: 410651). For these reasons, this variant has been classified as Pathogenic.

Fulgent Genetics
Classification: Likely pathogenic for Dyskeratosis congenita, autosomal dominant 1; Interstitial lung disease 2; Acute myeloid leukemia; Aplastic anemia; Dyskeratosis congenita, autosomal dominant 2; Pulmonary fibrosis and/or bone marrow failure, Telomere-related, 1; Melanoma, cutaneous malignant, susceptibility to, 9. Last evaluated: 2021-10-11. Review status: criteria provided, single submitter. Criteria: ACMG Guidelines, 2015. Collection method: clinical testing. Allele origin: unknown.

Blueprint Genetics
Classification: Pathogenic for TERT-related disorders. Last evaluated: 2020-09-15. Review status: criteria provided, single submitter. Criteria: ACMG Guidelines, 2015. Collection method: clinical testing. Allele origin: germline. Affected: yes. Observed: 2 variant alleles.

Garcia Pulmonary Genetics Research Laboratory, Columbia University Irving Medical Center
Classification: Likely risk allele for Pulmonary fibrosis. Last evaluated: 2022-06-09. Review status: no assertion criteria provided. Collection method: research. Allele origin: germline. Affected: yes. Not counted in ClinVar's aggregate classification.
Comment: Leukocyte telomere length (by qPCR) less than 10th percentile age-adjusted

Literature cited by the submitters: PubMed 16247010 (cited by Institute for Genomic Medicine (IGM) Clinical Laboratory, Nationwide Children's Hospital and Labcorp Genetics (formerly Invitae), Labcorp); PubMed 31268371 (cited by Institute for Genomic Medicine (IGM) Clinical Laboratory, Nationwide Children's Hospital and Labcorp Genetics (formerly Invitae), Labcorp); PubMed 35155181 (cited by Institute for Genomic Medicine (IGM) Clinical Laboratory, Nationwide Children's Hospital); PubMed 36028256 (cited by Ambry Genetics); PubMed 17460043 (cited by Labcorp Genetics (formerly Invitae), Labcorp).

NM_198253.3(TERT):c.336dup (p.Glu113fs)

Gene: TERT (telomerase reverse transcriptase; minus strand). Cytogenetic location: 5p15.33.
Variant type: Duplication.
Coding change: c.336dup on transcript NM_198253.3 (MANE Select); coding-DNA position 336, one base duplicated (C; older notation c.336dupC).
Protein change: p.Glu113fs; shifts the reading frame from glutamic acid 113.
Molecular consequence: frameshift variant. On other transcripts: non-coding transcript variant (2).
Genome position (GRCh38, 1-based): chr5:1,294,550, G duplicated on the plus strand (C on the coding strand, the reverse complement: TERT is on the minus strand); the first of 7 consecutive G bases (chr5:1,294,550-1,294,556); duplicating any one gives the same sequence. VCF-style (leftmost placement, unchanged base first): chr5-1294549-C-CG. GRCh37 (hg19) VCF-style: chr5-1294664-C-CG.
Other names: p.Glu113fs; c.336dupC (NM_198253.2, NM_198253.3); c.336dup, p.Glu113fs (NM_001193376.3); c.336dup (NM_198253.2); short protein forms E113fs.
Identifiers: ClinVar variation 410651 (VCV000410651.38), dbSNP rs1060502990, ClinGen allele CA16611799.